The following is an entry in ClinVar:

ClinVar aggregate classification (germline): Uncertain significance. Review status: criteria provided, multiple submitters, no conflicts (2 of 4 stars). 2 submissions from 2 submitters: Uncertain significance (2). Last evaluated 2025-12-11.

Conditions:
Inborn genetic diseases. Identifiers: MedGen C0950123, MeSH D030342.
Spastic paraplegia. Identifiers: MedGen C0037772, HP:0001258.

Allele frequency attached by ClinVar (database versions not stated): TOPMed below 0.00001; gnomAD exomes 0.00004; ExAC 0.00030.
gnomAD v4.1: 24 of 1,516,492 alleles (0.0016%); highest among the groups gnomAD compares: South Asian, 0.02%; no homozygotes.

Submissions (2):

Ambry Genetics
Classification: Uncertain significance for Inborn genetic diseases. Last evaluated: 2025-12-11. Review status: criteria provided, single submitter. Criteria: Ambry Variant Classification Scheme 2023. Collection method: clinical testing. Allele origin: germline.

Labcorp Genetics (formerly Invitae), Labcorp
Classification: Uncertain significance for Spastic paraplegia. Last evaluated: 2025-02-16. Review status: criteria provided, single submitter. Criteria: Invitae Variant Classification Sherloc (09022015). Collection method: clinical testing. Allele origin: germline.
Comment: This sequence change replaces arginine, which is basic and polar, with glutamine, which is neutral and polar, at codon 55 of the CYP2U1 protein (p.Arg55Gln). This variant is present in population databases (rs745929667, gnomAD 0.02%). This variant has not been reported in the literature in individuals affected with CYP2U1-related conditions. ClinVar contains an entry for this variant (Variation ID: 1402984). Invitae Evidence Modeling of protein sequence and biophysical properties (such as structural, functional, and spatial information, amino acid conservation, physicochemical variation, residue mobility, and thermodynamic stability) indicates that this missense variant is not expected to disrupt CYP2U1 protein function with a negative predictive value of 95%. In summary, the available evidence is currently insufficient to determine the role of this variant in disease. Therefore, it has been classified as a Variant of Uncertain Significance.

NM_183075.3(CYP2U1):c.164G>A (p.Arg55Gln)

Genes: CYP2U1 (cytochrome P450 family 2 subfamily U member 1; plus strand), CYP2U1-AS1 (CYP2U1 and SGMS2 antisense RNA 1; minus strand). Cytogenetic location: 4q25.
Variant type: single nucleotide variant.
Coding change: c.164G>A on transcript NM_183075.3 (MANE Select); coding-DNA position 164, G replaced by A.
Protein change: p.Arg55Gln; replaces arginine 55 with glutamine.
Molecular consequence: missense variant.
Genome position (GRCh38, 1-based): chr4:107,931,807, G>A. VCF-style: chr4-107931807-G-A. GRCh37 (hg19) VCF-style: chr4-108852963-G-A.
Other names: c.164G>A (NM_183075.2); short protein forms R55Q.
Identifiers: ClinVar variation 1402984 (VCV001402984.10), dbSNP rs745929667, ClinGen allele CA3036962.